The following is an entry in ClinVar:

ClinVar aggregate classification (germline): Uncertain significance. Review status: criteria provided, multiple submitters, no conflicts (2 of 4 stars). 5 submissions from 5 submitters: Uncertain significance (5). Last evaluated 2024-11-18.

Conditions:
Hereditary cancer-predisposing syndrome. Also called: Hereditary neoplastic syndrome; Neoplastic Syndromes, Hereditary; Tumor predisposition; Hereditary Cancer Syndrome. Identifiers: Orphanet 140162, MedGen C0027672, MeSH D009386, MONDO:0015356.
Hereditary nonpolyposis colorectal neoplasms. Identifiers: MedGen C0009405, MeSH D003123.
Lynch syndrome. Identifiers: Orphanet 144, MedGen C4552100, MONDO:0005835. Disease mechanism: loss of function.

Allele frequency attached by ClinVar (database versions not stated): gnomAD exomes below 0.00001; TOPMed below 0.00001.
gnomAD v4.1: 1 of 1,614,172 alleles (0.000062%); highest among the groups gnomAD compares: Non-Finnish European, 0.000085%; no homozygotes.

Submissions (5):

Labcorp Genetics (formerly Invitae), Labcorp
Classification: Uncertain significance for Hereditary nonpolyposis colorectal neoplasms. Last evaluated: 2024-11-18. Review status: criteria provided, single submitter. Criteria: Invitae Variant Classification Sherloc (09022015). Collection method: clinical testing. Allele origin: germline.
Comment: This sequence change replaces isoleucine, which is neutral and non-polar, with valine, which is neutral and non-polar, at codon 1099 of the MSH6 protein (p.Ile1099Val). This variant is not present in population databases (gnomAD no frequency). This variant has not been reported in the literature in individuals affected with MSH6-related conditions. ClinVar contains an entry for this variant (Variation ID: 422617). Invitae Evidence Modeling of protein sequence and biophysical properties (such as structural, functional, and spatial information, amino acid conservation, physicochemical variation, residue mobility, and thermodynamic stability) indicates that this missense variant is not expected to disrupt MSH6 protein function with a negative predictive value of 95%. In summary, the available evidence is currently insufficient to determine the role of this variant in disease. Therefore, it has been classified as a Variant of Uncertain Significance.

All of Us Research Program, National Institutes of Health
Classification: Uncertain significance for Lynch syndrome. Last evaluated: 2024-08-06. Review status: criteria provided, single submitter. Criteria: ACMG Guidelines, 2015. Collection method: clinical testing. Allele origin: germline. Inheritance: Autosomal dominant inheritance. Observed: 2 variant alleles, 2 heterozygotes.
Comment: This missense variant replaces isoleucine with valine at codon 1099 of the MSH6 protein. Computational prediction suggests that this variant may not impact protein structure and function (internally defined REVEL score threshold <= 0.5, PMID: 27666373). To our knowledge, functional studies have not been reported for this variant. This variant has not been reported in individuals affected with MSH6-related disorders in the literature. This variant has not been identified in the general population by the Genome Aggregation Database (gnomAD). The available evidence is insufficient to determine the role of this variant in disease conclusively. Therefore, this variant is classified as a Variant of Uncertain Significance.

This study involves interpretation of variants in research participants for the purpose of population health screening. Participant phenotype was not available at the time of variant classification. Additional details can be found in publication PMID: 35346344, PMCID: PMC8962531

Ambry Genetics
Classification: Uncertain significance for Hereditary cancer-predisposing syndrome. Last evaluated: 2024-04-22. Review status: criteria provided, single submitter. Criteria: Ambry Variant Classification Scheme 2023. Collection method: clinical testing. Allele origin: germline.
Comment: The p.I1099V variant (also known as c.3295A>G), located in coding exon 5 of the MSH6 gene, results from an A to G substitution at nucleotide position 3295. The isoleucine at codon 1099 is replaced by valine, an amino acid with highly similar properties. This amino acid position is not well conserved in available vertebrate species. In addition, this alteration is predicted to be tolerated by in silico analysis. Since supporting evidence is limited at this time, the clinical significance of this alteration remains unclear.

Color Diagnostics, LLC DBA Color Health
Classification: Uncertain significance for Hereditary cancer-predisposing syndrome. Last evaluated: 2023-12-05. Review status: criteria provided, single submitter. Criteria: ACMG Guidelines, 2015. Collection method: clinical testing. Allele origin: germline.
Comment: This missense variant replaces isoleucine with valine at codon 1099 of the MSH6 protein. Computational prediction suggests that this variant may not impact protein structure and function (internally defined REVEL score threshold <= 0.5, PMID: 27666373). To our knowledge, functional studies have not been reported for this variant. This variant has not been reported in individuals affected with MSH6-related disorders in the literature. This variant has not been identified in the general population by the Genome Aggregation Database (gnomAD). The available evidence is insufficient to determine the role of this variant in disease conclusively. Therefore, this variant is classified as a Variant of Uncertain Significance.

GeneDx
Classification: Uncertain significance. Last evaluated: 2016-10-27. Review status: criteria provided, single submitter. Criteria: GeneDx Variant Classification (06012015). Collection method: clinical testing. Allele origin: germline. Affected: yes.
Comment: This variant is denoted MSH6 c.3295A>G at the cDNA level, p.Ile1099Val (I1099V) at the protein level, and results in the change of an Isoleucine to a Valine (ATT>GTT). This variant has not, to our knowledge, been published in the literature as pathogenic or benign. MSH6 Ile1099Val was not observed in approximately 6,500 individuals of European and African American ancestry in the NHLBI Exome Sequencing Project, suggesting it is not a common benign variant in these populations. Since Isoleucine and Valine share similar properties, this is considered a conservative amino acid substitution. MSH6 Ile1099Val occurs at a position where amino acids with properties similar to Isoleucine are tolerated across species and is located in domain V of the MutS domain (Terui 2013). In silico analyses are inconsistent regarding the effect this variant may have on protein structure and function. Based on currently available evidence, it is unclear whether MSH6 Ile1099Val is a pathogenic or benign variant. We consider it to be a variant of uncertain significance.

NM_000179.3(MSH6):c.3295A>G (p.Ile1099Val)

Gene: MSH6 (mutS homolog 6; plus strand). Cytogenetic location: 2p16.3.
Variant type: single nucleotide variant.
Coding change: c.3295A>G on transcript NM_000179.3 (MANE Select); coding-DNA position 3295, A replaced by G.
Protein change: p.Ile1099Val; replaces isoleucine 1099 with valine.
Molecular consequence: missense variant.
Genome position (GRCh38, 1-based): chr2:47,803,542, A>G. VCF-style: chr2-47803542-A-G. GRCh37 (hg19) VCF-style: chr2-48030681-A-G.
Other names: c.2905A>G, p.Ile969Val (NM_001281492.2); c.2389A>G, p.Ile797Val (NM_001281493.2, NM_001281494.2); short protein forms I1099V, I969V, I797V.
Identifiers: ClinVar variation 422617 (VCV000422617.20), dbSNP rs1064795895, ClinGen allele CA16617696.